The following is an entry in ClinVar:

ClinVar aggregate classification (germline): Benign (1 of 4 stars; one submission).

Conditions:
Familial cancer of breast. Also called: Hereditary breast cancer; hereditary breast carcinoma; BREAST CANCER, FAMILIAL. Identifiers: Orphanet 227535, MedGen C0346153, MONDO:0016419, OMIM 114480. Disease mechanism: loss of function.

Submission:

Myriad Genetics, Inc.
Classification: Benign for Familial cancer of breast. Last evaluated: 2025-01-15. Review status: criteria provided, single submitter. Criteria: Myriad Autosomal Dominant, Autosomal Recessive and X-Linked Classification Criteria (2023). Collection method: clinical testing. Allele origin: unknown.
Comment: This variant is considered benign. This variant is a silent/synonymous amino acid change and it is not expected to impact splicing.

NM_024675.4(PALB2):c.2250T>A (p.Val750=)

Gene: PALB2 (partner and localizer of BRCA2; minus strand). Cytogenetic location: 16p12.2.
Variant type: single nucleotide variant.
Coding change: c.2250T>A on transcript NM_024675.4 (MANE Select); coding-DNA position 2250, T replaced by A.
Protein change: p.Val750=; no amino-acid change (valine 750 retained).
Molecular consequence: synonymous variant. On other transcripts: intron variant (1).
Genome position (GRCh38, 1-based): chr16:23,629,904, A>T on the plus strand (T>A on the coding strand, the complement: PALB2 is on the minus strand). VCF-style: chr16-23629904-A-T. GRCh37 (hg19) VCF-style: chr16-23641225-A-T.
Other names: c.2190T>A, p.Val730= (NM_001407296.1); c.2250T>A, p.Val750= (NM_001407297.1, NM_001407298.1, NM_001407299.1 and 3 more transcripts); c.1365T>A, p.Val455= (NM_001407304.1, NM_001407305.1, NM_001407306.1 and 5 more transcripts); c.462T>A, p.Val154= (NM_001407312.1, NM_001407313.1); c.49-629T>A (NM_001407314.1).
Identifiers: ClinVar variation 3903890 (VCV003903890.1).